The following is an entry in ClinVar:

ClinVar aggregate classification (germline): Uncertain significance (1 of 4 stars; one submission).

Conditions:
Ataxia-telangiectasia syndrome (AT). Also called: Cerebello-oculocutaneous telangiectasia; Immunodeficiency with ataxia telangiectasia; AT, COMPLEMENTATION GROUP C; Ataxia-telangiectasia; Ataxia-telangiectasia, complementation group D; ATAXIA-TELANGIECTASIA, COMPLEMENTATION GROUP A. Identifiers: Orphanet 100, MedGen C0004135, MONDO:0008840, OMIM 208900.

Allele frequency attached by ClinVar (database versions not stated): gnomAD 0.00001.
gnomAD v4.1: 1 of 1,612,950 alleles (0.000062%); highest among the groups gnomAD compares: African/African-American, 0.0013%; no homozygotes.

Submission:

Labcorp Genetics (formerly Invitae), Labcorp
Classification: Uncertain significance for Ataxia-telangiectasia syndrome. Last evaluated: 2024-12-16. Review status: criteria provided, single submitter. Criteria: Invitae Variant Classification Sherloc (09022015). Collection method: clinical testing. Allele origin: germline.
Comment: This sequence change replaces lysine, which is basic and polar, with asparagine, which is neutral and polar, at codon 1773 of the ATM protein (p.Lys1773Asn). This variant also falls at the last nucleotide of exon 35, which is part of the consensus splice site for this exon. This variant is not present in population databases (gnomAD no frequency). This variant has not been reported in the literature in individuals affected with ATM-related conditions. ClinVar contains an entry for this variant (Variation ID: 2919498). An algorithm developed to predict the effect of missense changes on protein structure and function (PolyPhen-2) suggests that this variant is likely to be tolerated. Variants that disrupt the consensus splice site are a relatively common cause of aberrant splicing (PMID: 17576681, 9536098). Algorithms developed to predict the effect of sequence changes on RNA splicing suggest that this variant may disrupt the consensus splice site. In summary, the available evidence is currently insufficient to determine the role of this variant in disease. Therefore, it has been classified as a Variant of Uncertain Significance.

Literature cited by the submitters: PubMed 17576681; PubMed 9536098.

NM_000051.4(ATM):c.5319G>T (p.Lys1773Asn)

Gene: ATM (ATM serine/threonine kinase; plus strand). Cytogenetic location: 11q22.3.
Variant type: single nucleotide variant.
Coding change: c.5319G>T on transcript NM_000051.4 (MANE Select); coding-DNA position 5319, G replaced by T.
Protein change: p.Lys1773Asn; replaces lysine 1773 with asparagine.
Molecular consequence: missense variant.
Genome position (GRCh38, 1-based): chr11:108,301,789, G>T. VCF-style: chr11-108301789-G-T. GRCh37 (hg19) VCF-style: chr11-108172516-G-T.
Other names: c.5319G>T, p.Lys1773Asn (NM_001351834.2); short protein forms K1773N.
Identifiers: ClinVar variation 2919498 (VCV002919498.3), dbSNP rs2083446824, ClinGen allele CA382542838.